The following is an entry in ClinVar:

ClinVar aggregate classification (germline): Uncertain significance (1 of 4 stars; one submission).

gnomAD v4.1: 2 of 1,614,000 alleles (0.00012%); no homozygotes.

Submission:

Labcorp Genetics (formerly Invitae), Labcorp
Classification: Uncertain significance. Last evaluated: 2023-12-24. Review status: criteria provided, single submitter. Criteria: Invitae Variant Classification Sherloc (09022015). Collection method: clinical testing. Allele origin: germline.
Comment: This sequence change replaces serine, which is neutral and polar, with phenylalanine, which is neutral and non-polar, at codon 602 of the BUB1 protein (p.Ser602Phe). This variant is not present in population databases (gnomAD no frequency). This variant has not been reported in the literature in individuals affected with BUB1-related conditions. Experimental studies and prediction algorithms are not available or were not evaluated, and the functional significance of this variant is currently unknown. In summary, the available evidence is currently insufficient to determine the role of this variant in disease. Therefore, it has been classified as a Variant of Uncertain Significance.

NM_004336.5(BUB1):c.1805C>T (p.Ser602Phe)

Gene: BUB1 (BUB1 mitotic checkpoint serine/threonine kinase; minus strand). Cytogenetic location: 2q13.
Variant type: single nucleotide variant.
Coding change: c.1805C>T on transcript NM_004336.5 (MANE Select); coding-DNA position 1805, C replaced by T.
Protein change: p.Ser602Phe; replaces serine 602 with phenylalanine.
Molecular consequence: missense variant.
Genome position (GRCh38, 1-based): chr2:110,655,810, G>A on the plus strand (C>T on the coding strand, the complement: BUB1 is on the minus strand). VCF-style: chr2-110655810-G-A. GRCh37 (hg19) VCF-style: chr2-111413387-G-A.
Other names: c.1745C>T, p.Ser582Phe (NM_001278616.2); c.1805C>T, p.Ser602Phe (NM_001278617.2); short protein forms S582F, S602F.
Identifiers: ClinVar variation 2699822 (VCV002699822.3), dbSNP rs2468001875, ClinGen allele CA348210744.